The following is an entry in ClinVar:

NM_030665.4(RAI1):c.972G>A (p.Pro324=)

Gene: RAI1 (retinoic acid induced 1; plus strand). Cytogenetic location: 17p11.2.
Variant type: single nucleotide variant.
Coding change: c.972G>A on transcript NM_030665.4 (MANE Select); coding-DNA position 972, G replaced by A.
Protein change: p.Pro324=; no amino-acid change (proline 324 retained).
Molecular consequence: synonymous variant.
Genome position (GRCh38, 1-based): chr17:17,793,920, G>A. VCF-style: chr17-17793920-G-A. GRCh37 (hg19) VCF-style: chr17-17697234-G-A.
Identifiers: ClinVar variation 96201 (VCV000096201.22), dbSNP rs138675466, ClinGen allele CA149353.

ClinVar aggregate classification (germline): Benign/Likely benign. Review status: criteria provided, multiple submitters, no conflicts (2 of 4 stars). 8 submissions from 8 submitters: Benign (3); Likely benign (3). 2 of the submissions do not count toward it. Last evaluated 2026-07-01.

Conditions:
Inborn genetic diseases. Identifiers: MedGen C0950123, MeSH D030342.
RAI1-related disorder. Also called: RAI1-related condition.

Allele frequency attached by ClinVar (database versions not stated): gnomAD exomes 0.00014 and 0.00025; ExAC 0.00028; gnomAD 0.00103 and 0.00113; 1000 Genomes Project 30x 0.00109; 1000 Genomes Project 0.00120; ESP Exome Variant Server 0.00123; TOPMed 0.00129.
gnomAD v4.1: 380 of 1,613,872 alleles (0.024%); highest among the groups gnomAD compares: African/African-American, 0.41%; 1 homozygote.

Submissions (8):

CeGaT Center for Human Genetics Tuebingen
Classification: Likely benign. Last evaluated: 2026-07-01. Review status: criteria provided, single submitter. Criteria: CeGaT Center For Human Genetics Tuebingen Variant Classification Criteria Version 2. Collection method: clinical testing. Allele origin: germline. Affected: yes. Observed: 1 variant allele.
Comment: RAI1: BP4, BP7, BS1

Labcorp Genetics (formerly Invitae), Labcorp
Classification: Benign. Last evaluated: 2026-01-11. Review status: criteria provided, single submitter. Criteria: Invitae Variant Classification Sherloc (09022015). Collection method: clinical testing. Allele origin: germline.

Blueprint Genetics
Classification: Likely benign. Last evaluated: 2023-03-16. Review status: criteria provided, single submitter. Criteria: ACMG Guidelines, 2015. Collection method: clinical testing. Allele origin: germline.

GeneDx
Classification: Benign. Last evaluated: 2020-12-04. Review status: criteria provided, single submitter. Criteria: GeneDx Variant Classification Process June 2021. Collection method: clinical testing. Allele origin: germline. Affected: yes.

Ambry Genetics
Classification: Likely benign for Inborn genetic diseases. Last evaluated: 2017-06-21. Review status: criteria provided, single submitter. Criteria: Ambry Variant Classification Scheme 2023. Collection method: clinical testing. Allele origin: germline.

Eurofins Ntd Llc (ga)
Classification: Benign. Last evaluated: 2013-04-30. Review status: criteria provided, single submitter. Criteria: EGL Classification Definitions 2015. Collection method: clinical testing. Allele origin: germline. Observed: 1 variant allele, 1 heterozygote.

Genetic Services Laboratory, University of Chicago
Classification: Benign. Last evaluated: 2022-11-06. Review status: no assertion criteria provided. Collection method: clinical testing. Allele origin: germline. Affected: no. Not counted in ClinVar's aggregate classification.

PreventionGenetics, part of Exact Sciences
Classification: Likely benign for RAI1-related condition. Last evaluated: 2019-08-27. Review status: no assertion criteria provided. Collection method: clinical testing. Allele origin: germline. Not counted in ClinVar's aggregate classification.
Comment: This variant is classified as likely benign based on ACMG/AMP sequence variant interpretation guidelines (Richards et al. 2015 PMID: 25741868, with internal and published modifications).